The following is an entry in ClinVar:

ClinVar aggregate classification (germline): Uncertain significance. Review status: criteria provided, multiple submitters, no conflicts (2 of 4 stars). 2 submissions from 2 submitters: Uncertain significance (2). Last evaluated 2025-08-29.

Allele frequency attached by ClinVar (database versions not stated): gnomAD 0.00001; gnomAD exomes 0.00002; ExAC 0.00003; TOPMed 0.00003; ESP Exome Variant Server 0.00008.
gnomAD v4.1: 84 of 1,613,562 alleles (0.0052%); highest among the groups gnomAD compares: Non-Finnish European, 0.007%; no homozygotes.

Submissions (2):

Labcorp Genetics (formerly Invitae), Labcorp
Classification: Uncertain significance. Last evaluated: 2025-08-29. Review status: criteria provided, single submitter. Criteria: Invitae Variant Classification Sherloc (09022015). Collection method: clinical testing. Allele origin: germline.
Comment: This sequence change replaces proline, which is neutral and non-polar, with serine, which is neutral and polar, at codon 656 of the MKL1 protein (p.Pro656Ser). This variant is present in population databases (rs138910464, gnomAD 0.005%). This variant has not been reported in the literature in individuals affected with MKL1-related conditions. ClinVar contains an entry for this variant (Variation ID: 1682973). An algorithm developed to predict the effect of missense changes on protein structure and function (PolyPhen-2) suggests that this variant is likely to be disruptive. In summary, the available evidence is currently insufficient to determine the role of this variant in disease. Therefore, it has been classified as a Variant of Uncertain Significance.

Blueprint Genetics
Classification: Uncertain significance. Last evaluated: 2022-11-28. Review status: criteria provided, single submitter. Criteria: ACMG Guidelines, 2015. Collection method: clinical testing. Allele origin: germline.

NM_020831.6(MRTFA):c.2266C>T (p.Pro756Ser)

Gene: MRTFA (myocardin related transcription factor A; minus strand). Cytogenetic location: 22q13.1.
Variant type: single nucleotide variant.
Coding change: c.2266C>T on transcript NM_020831.6 (MANE Select); coding-DNA position 2266, C replaced by T.
Protein change: p.Pro756Ser; replaces proline 756 with serine.
Molecular consequence: missense variant.
Genome position (GRCh38, 1-based): chr22:40,418,472, G>A on the plus strand (C>T on the coding strand, the complement: MRTFA is on the minus strand). VCF-style: chr22-40418472-G-A. GRCh37 (hg19) VCF-style: chr22-40814476-G-A.
Other names: c.1966C>T, p.Pro656Ser (NM_001282660.2); c.2116C>T, p.Pro706Ser (NM_001282661.3); c.2266C>T, p.Pro756Ser (NM_001282662.3); c.2071C>T, p.Pro691Ser (NM_001318139.2); short protein forms P656S, P691S, P706S, P756S.
Identifiers: ClinVar variation 1682973 (VCV001682973.7), dbSNP rs138910464, ClinGen allele CA10249394.